The following is an entry in ClinVar:

ClinVar aggregate classification (germline): Uncertain significance. Review status: criteria provided, multiple submitters, no conflicts (2 of 4 stars). 2 submissions from 2 submitters: Uncertain significance (2). Last evaluated 2025-10-14.

Conditions:
Immunodeficiency 132A. Also called: Herpes simplex encephalitis, susceptibility to, 3. Identifiers: Orphanet 1930, MedGen C3553868, MONDO:0013920, OMIM 614849.

Allele frequency attached by ClinVar (database versions not stated): ExAC 0.00001; gnomAD 0.00001; TOPMed 0.00001; gnomAD exomes 0.00002; ESP Exome Variant Server 0.00008.
gnomAD v4.1: 26 of 1,614,112 alleles (0.0016%); highest among the groups gnomAD compares: Non-Finnish European, 0.0022%; no homozygotes.

Submissions (2):

Labcorp Genetics (formerly Invitae), Labcorp
Classification: Uncertain significance for Immunodeficiency 132A. Last evaluated: 2025-10-14. Review status: criteria provided, single submitter. Criteria: Invitae Variant Classification Sherloc (09022015). Collection method: clinical testing. Allele origin: germline.
Comment: This sequence change replaces serine, which is neutral and polar, with arginine, which is basic and polar, at codon 26 of the TRAF3 protein (p.Ser26Arg). This variant is present in population databases (rs375545964, gnomAD 0.007%). This variant has not been reported in the literature in individuals affected with TRAF3-related conditions. ClinVar contains an entry for this variant (Variation ID: 2595924). An algorithm developed to predict the effect of missense changes on protein structure and function (PolyPhen-2) suggests that this variant is likely to be tolerated. In summary, the available evidence is currently insufficient to determine the role of this variant in disease. Therefore, it has been classified as a Variant of Uncertain Significance.

Ambry Genetics
Classification: Uncertain significance. Last evaluated: 2023-07-17. Review status: criteria provided, single submitter. Criteria: Ambry Variant Classification Scheme 2023. Collection method: clinical testing. Allele origin: germline.

NM_145725.3(TRAF3):c.76A>C (p.Ser26Arg)

Gene: TRAF3 (TNF receptor associated factor 3; plus strand). Cytogenetic location: 14q32.32.
Variant type: single nucleotide variant.
Coding change: c.76A>C on transcript NM_145725.3 (MANE Select); coding-DNA position 76, A replaced by C.
Protein change: p.Ser26Arg; replaces serine 26 with arginine.
Molecular consequence: missense variant.
Genome position (GRCh38, 1-based): chr14:102,870,277, A>C. VCF-style: chr14-102870277-A-C. GRCh37 (hg19) VCF-style: chr14-103336614-A-C.
Other names: c.76A>C, p.Ser26Arg (NM_001199427.2, NM_001385142.1, NM_001385143.1 and 2 more transcripts); short protein forms S26R.
Identifiers: ClinVar variation 2595924 (VCV002595924.3), dbSNP rs375545964, ClinGen allele CA7359152.